The following is an entry in ClinVar:

NM_130797.4(DPP6):c.627+20879G>A

Gene: DPP6 (dipeptidyl peptidase like 6; plus strand). Cytogenetic location: 7q36.2.
Variant type: single nucleotide variant.
Coding change: c.627+20879G>A on transcript NM_130797.4 (MANE Select); 20879 bases into the intron after coding-DNA position 627, G replaced by A.
Molecular consequence: genic downstream transcript variant. On other transcripts: missense variant (1), 3 prime UTR variant (1).
Genome position (GRCh38, 1-based): chr7:154,587,795, G>A. VCF-style: chr7-154587795-G-A. GRCh37 (hg19) VCF-style: chr7-154379505-G-A.
Other names: c.773G>A, p.Arg258His (NM_001290253.2); c.*621G>A (NM_001364502.2); c.444+20879G>A (NM_001364500.2, NM_001364499.2, NM_001364497.2 and 1 more transcripts); c.435+20879G>A (NM_001364501.2, NM_001039350.3); c.441+20879G>A (NM_001936.5, NM_001290252.2); short protein forms R258H.
Identifiers: ClinVar variation 3025919 (VCV003025919.22), dbSNP rs758691354, ClinGen allele CA4583180.
Genomic context (GRCh38, chr7:154,587,795, plus strand): 5'-CTTGTCACCAGGGCTGTTTTCTTCATTACATCACCATGTCTCTTCCTCTTCACTGCCTGC[G>A]TGACTATGTCTCGGCAGTCAATGGATACAGCACAGCATTGCCAGCTTGCCATGTACAAGG-3'

ClinVar aggregate classification (germline): Likely benign (1 of 4 stars; one submission).

Allele frequency attached by ClinVar (database versions not stated): TOPMed 0.00001; ExAC 0.00002.
gnomAD v4.1: 19 of 1,612,246 alleles (0.0012%); highest among the groups gnomAD compares: South Asian, 0.0066%; 1 homozygote.

Submission:

CeGaT Center for Human Genetics Tuebingen
Classification: Likely benign. Last evaluated: 2023-12-01. Review status: criteria provided, single submitter. Criteria: CeGaT Center For Human Genetics Tuebingen Variant Classification Criteria Version 2. Collection method: clinical testing. Allele origin: germline. Affected: yes. Observed: 1 variant allele.
Comment: DPP6: BP4